The following is an entry in ClinVar:

ClinVar aggregate classification (germline): Uncertain significance (1 of 4 stars; one submission).

Conditions:
Aortic valve disease 2 (AOVD2). Identifiers: MedGen C3542024, MONDO:0013902, OMIM 614823.

gnomAD v4.1: 1 of 1,599,022 alleles (0.000063%); highest among the groups gnomAD compares: African/African-American, 0.0013%; no homozygotes.

Submission:

Labcorp Genetics (formerly Invitae), Labcorp
Classification: Uncertain significance for Aortic valve disease 2. Last evaluated: 2023-06-19. Review status: criteria provided, single submitter. Criteria: Invitae Variant Classification Sherloc (09022015). Collection method: clinical testing. Allele origin: germline.
Comment: This sequence change replaces proline, which is neutral and non-polar, with histidine, which is basic and polar, at codon 432 of the SMAD6 protein (p.Pro432His). This variant is not present in population databases (gnomAD no frequency). This variant has not been reported in the literature in individuals affected with SMAD6-related conditions. Advanced modeling of protein sequence and biophysical properties (such as structural, functional, and spatial information, amino acid conservation, physicochemical variation, residue mobility, and thermodynamic stability) performed at Invitae indicates that this missense variant is not expected to disrupt SMAD6 protein function. In summary, the available evidence is currently insufficient to determine the role of this variant in disease. Therefore, it has been classified as a Variant of Uncertain Significance.

NM_005585.5(SMAD6):c.1295C>A (p.Pro432His)

Gene: SMAD6 (SMAD family member 6; plus strand). Cytogenetic location: 15q22.31.
Variant type: single nucleotide variant.
Coding change: c.1295C>A on transcript NM_005585.5 (MANE Select); coding-DNA position 1295, C replaced by A.
Protein change: p.Pro432His; replaces proline 432 with histidine.
Molecular consequence: missense variant. On other transcripts: non-coding transcript variant (1).
Genome position (GRCh38, 1-based): chr15:66,781,339, C>A. VCF-style: chr15-66781339-C-A. GRCh37 (hg19) VCF-style: chr15-67073677-C-A.
Other names: short protein forms P432H.
Identifiers: ClinVar variation 2722620 (VCV002722620.3), dbSNP rs1363117493, ClinGen allele CA393202243.